The following is an entry in ClinVar:

NM_080680.3(COL11A2):c.3959G>T (p.Arg1320Leu)

Gene: COL11A2 (collagen type XI alpha 2 chain; minus strand). Cytogenetic location: 6p21.32.
Variant type: single nucleotide variant.
Coding change: c.3959G>T on transcript NM_080680.3 (MANE Select); coding-DNA position 3959, G replaced by T.
Protein change: p.Arg1320Leu; replaces arginine 1320 with leucine.
Molecular consequence: missense variant.
Genome position (GRCh38, 1-based): chr6:33,168,520, C>A on the plus strand (G>T on the coding strand, the complement: COL11A2 is on the minus strand). VCF-style: chr6-33168520-C-A. GRCh37 (hg19) VCF-style: chr6-33136297-C-A.
Other names: c.3638G>T, p.Arg1213Leu (NM_080679.3); c.3701G>T, p.Arg1234Leu (NM_080681.3); short protein forms R1213L, R1234L, R1320L.
Identifiers: ClinVar variation 906835 (VCV000906835.5), dbSNP rs372143434, ClinGen allele CA3750300.

ClinVar aggregate classification (germline): Uncertain significance. Review status: criteria provided, multiple submitters, no conflicts (2 of 4 stars). 4 submissions from 2 submitters: Uncertain significance (4). Last evaluated 2022-09-22.

Conditions:
Fibrochondrogenesis 2 (FBCG2). Identifiers: Orphanet 2021, MedGen C3281128, MONDO:0013795, OMIM 614524.
Otospondylomegaepiphyseal dysplasia, autosomal recessive (OSMEDB). Also called: CHONDRODYSTROPHY WITH SENSORINEURAL DEAFNESS; Insley-Astley syndrome. Identifiers: Orphanet 1427, MedGen CN034493, MONDO:0044206, OMIM 215150.
Otospondylomegaepiphyseal dysplasia, autosomal dominant (OSMEDA). Also called: COL11A2-Related Stickler Syndrome; Stickler syndrome, type 3; Pierre Robin syndrome with fetal chondrodysplasia. Identifiers: Orphanet 166100, Orphanet 3450, MedGen C1848488, MONDO:0008490, OMIM 184840.

gnomAD v4.1: 8 of 1,613,542 alleles (0.0005%); highest among the groups gnomAD compares: Non-Finnish European, 0.00068%; no homozygotes.

Submissions (4):

Labcorp Genetics (formerly Invitae), Labcorp
Classification: Uncertain significance. Last evaluated: 2022-09-22. Review status: criteria provided, single submitter. Criteria: Invitae Variant Classification Sherloc (09022015). Collection method: clinical testing. Allele origin: germline.
Comment: This sequence change replaces arginine, which is basic and polar, with leucine, which is neutral and non-polar, at codon 1320 of the COL11A2 protein (p.Arg1320Leu). The frequency data for this variant in the population databases is considered unreliable, as metrics indicate poor data quality at this position in the gnomAD database. This variant has not been reported in the literature in individuals affected with COL11A2-related conditions. ClinVar contains an entry for this variant (Variation ID: 906835). Advanced modeling of protein sequence and biophysical properties (such as structural, functional, and spatial information, amino acid conservation, physicochemical variation, residue mobility, and thermodynamic stability) performed at Invitae indicates that this missense variant is not expected to disrupt COL11A2 protein function. In summary, the available evidence is currently insufficient to determine the role of this variant in disease. Therefore, it has been classified as a Variant of Uncertain Significance.

Illumina Laboratory Services, Illumina
Classification: Uncertain significance for Otospondylomegaepiphyseal dysplasia, autosomal recessive. Last evaluated: 2018-01-12. Review status: criteria provided, single submitter. Criteria: ICSL Variant Classification Criteria 13 December 2019. Collection method: clinical testing. Allele origin: germline.

Illumina Laboratory Services, Illumina
Classification: Uncertain significance for Otospondylomegaepiphyseal dysplasia, autosomal dominant. Last evaluated: 2018-01-12. Review status: criteria provided, single submitter. Criteria: ICSL Variant Classification Criteria 13 December 2019. Collection method: clinical testing. Allele origin: germline.

Illumina Laboratory Services, Illumina
Classification: Uncertain significance for Fibrochondrogenesis 2. Last evaluated: 2018-01-12. Review status: criteria provided, single submitter. Criteria: ICSL Variant Classification Criteria 13 December 2019. Collection method: clinical testing. Allele origin: germline.